The following is an entry in ClinVar:

ClinVar aggregate classification (germline): Uncertain significance (1 of 4 stars; one submission).

Allele frequency attached by ClinVar (database versions not stated): TOPMed 0.00001.
gnomAD v4.1: 7 of 1,613,998 alleles (0.00043%); highest among the groups gnomAD compares: Non-Finnish European, 0.00059%; no homozygotes.

Submission:

Labcorp Genetics (formerly Invitae), Labcorp
Classification: Uncertain significance. Last evaluated: 2024-09-06. Review status: criteria provided, single submitter. Criteria: Invitae Variant Classification Sherloc (09022015). Collection method: clinical testing. Allele origin: germline.
Comment: This sequence change replaces proline, which is neutral and non-polar, with serine, which is neutral and polar, at codon 139 of the NDUFV2 protein (p.Pro139Ser). This variant is present in population databases (no rsID available, gnomAD 0.0009%). This variant has not been reported in the literature in individuals affected with NDUFV2-related conditions. Invitae Evidence Modeling of protein sequence and biophysical properties (such as structural, functional, and spatial information, amino acid conservation, physicochemical variation, residue mobility, and thermodynamic stability) has been performed for this missense variant. However, the output from this modeling did not meet the statistical confidence thresholds required to predict the impact of this variant on NDUFV2 protein function. In summary, the available evidence is currently insufficient to determine the role of this variant in disease. Therefore, it has been classified as a Variant of Uncertain Significance.

NM_021074.5(NDUFV2):c.415C>T (p.Pro139Ser)

Genes: NDUFV2 (NADH:ubiquinone oxidoreductase core subunit V2; plus strand), NDUFV2-AS1 (NDUFV2 antisense RNA 1; minus strand). Cytogenetic location: 18p11.22.
Variant type: single nucleotide variant.
Coding change: c.415C>T on transcript NM_021074.5 (MANE Select); coding-DNA position 415, C replaced by T.
Protein change: p.Pro139Ser; replaces proline 139 with serine.
Molecular consequence: missense variant.
Genome position (GRCh38, 1-based): chr18:9,122,627, C>T. VCF-style: chr18-9122627-C-T. GRCh37 (hg19) VCF-style: chr18-9122625-C-T.
Other names: short protein forms P139S.
Identifiers: ClinVar variation 2919352 (VCV002919352.3), dbSNP rs886054124, ClinGen allele CA296487863.